The following is an entry in ClinVar:

ClinVar aggregate classification (germline): Uncertain significance. Review status: criteria provided, single submitter (1 of 4 stars). 2 submissions from 2 submitters: Uncertain significance (1). 1 of the submissions does not count toward it. Last evaluated 2024-12-25.

Conditions:
Metaphyseal chondrodysplasia, McKusick type (CHH). Also called: Cartilage-hair hypoplasia; Cartilage-Hair Hypoplasia (CHH). Identifiers: Orphanet 175, MedGen C0220748, MONDO:0009595, OMIM 250250.
Anauxetic dysplasia. Identifiers: Orphanet 93347, MedGen C1846796, MONDO:0011773.

Submissions (2):

Labcorp Genetics (formerly Invitae), Labcorp
Classification: Uncertain significance for Anauxetic dysplasia. Last evaluated: 2024-12-25. Review status: criteria provided, single submitter. Criteria: Invitae Variant Classification Sherloc (09022015). Collection method: clinical testing. Allele origin: germline.
Comment: This variant occurs in the RMRP gene, which encodes an RNA molecule that does not result in a protein product. This variant is present in population databases (no rsID available, gnomAD 0.02%). This variant has not been reported in the literature in individuals affected with RMRP-related conditions. ClinVar contains an entry for this variant (Variation ID: 972054). Experimental studies and prediction algorithms are not available or were not evaluated, and the functional significance of this variant is currently unknown. In summary, the available evidence is currently insufficient to determine the role of this variant in disease. Therefore, it has been classified as a Variant of Uncertain Significance.

Natera, Inc.
Classification: Uncertain significance for Cartilage-hair hypoplasia. Last evaluated: 2020-07-21. Review status: no assertion criteria provided. Collection method: clinical testing. Allele origin: germline. Not counted in ClinVar's aggregate classification.

NR_003051.4(RMRP):n.118_119delAG

Gene: RMRP (RNA component of mitochondrial RNA processing endoribonuclease; minus strand). Cytogenetic location: 9p13.3.
Variant type: Deletion.
Genome position: GRCh38 VCF-style: chr9-35657899-GTC-G. GRCh37 (hg19) VCF-style: chr9-35657896-GTC-G.
Identifiers: ClinVar variation 972054 (VCV000972054.8), dbSNP rs1380611840, ClinGen allele CA587570236.